The following is an entry in ClinVar:

ClinVar aggregate classification (germline): Conflicting classifications of pathogenicity. Review status: criteria provided, conflicting classifications (1 of 4 stars). 6 submissions from 6 submitters: Likely pathogenic (1); Uncertain significance (3). 2 of the submissions do not count toward it. Last evaluated 2026-03-05.

Conditions:
Glycogen storage disease type III (GSD3). Also called: FORBES DISEASE; Cori disease. Identifiers: Orphanet 366, MedGen C0017922, MONDO:0009291, OMIM 232400.

Allele frequency attached by ClinVar (database versions not stated): TOPMed below 0.00001; ExAC 0.00001; gnomAD 0.00001; gnomAD exomes 0.00001.
gnomAD v4.1: 20 of 1,613,980 alleles (0.0012%); highest among the groups gnomAD compares: Non-Finnish European, 0.0016%; no homozygotes.

Submissions (6):

Myriad Genetics, Inc.
Classification: Likely pathogenic for Glycogen storage disease type III. Last evaluated: 2026-03-05. Review status: criteria provided, single submitter. Criteria: Myriad Autosomal Dominant, Autosomal Recessive and X-Linked Classification Criteria (2023). Collection method: clinical testing. Allele origin: unknown.
Comment: NM_000642.2(AGL):c.1577A>G(D526G) is a missense variant classified as likely pathogenic in the context of glycogen storage disease type III. D526G has been observed in a case with relevant disease (PMID: 27106217). Relevant functional assessments of this variant are not available in the literature. Internal structural analysis of the variant is supportive of pathogenicity. D526G has been observed in referenced population frequency databases. In summary, NM_000642.2(AGL):c.1577A>G(D526G) is a missense variant that has internal structural support for pathogenicity and has been observed more frequently in cases with the relevant disease than in healthy populations. Please note: this variant was assessed in the context of healthy population screening.

Women's Health and Genetics/Laboratory Corporation of America, LabCorp
Classification: Uncertain significance. Last evaluated: 2025-01-02. Review status: criteria provided, single submitter. Criteria: LabCorp Variant Classification Summary - May 2015. Collection method: clinical testing. Allele origin: germline.
Comment: Variant summary: AGL c.1577A>G (p.Asp526Gly) results in a non-conservative amino acid change located in the Glycogen debranching enzyme, glucanotransferase domain (IPR032792) of the encoded protein sequence. Five of five in-silico tools predict a damaging effect of the variant on protein function. The variant allele was found at a frequency of 8e-06 in 251222 control chromosomes. The available data on variant occurrences in the general population are insufficient to allow any conclusion about variant significance. c.1577A>G has been reported in the literature in individual(s) affected with Glycogen Storage Disease Type III without clear clinical information and zygosity of the genotype (Sentner_2016). These report(s) do not provide unequivocal conclusions about association of the variant with Glycogen Storage Disease Type III. To our knowledge, no experimental evidence demonstrating an impact on protein function has been reported. The following publication have been ascertained in the context of this evaluation (PMID: 27106217). ClinVar contains an entry for this variant (Variation ID: 526603). Based on the evidence outlined above, the variant was classified as uncertain significance.

Labcorp Genetics (formerly Invitae), Labcorp
Classification: Uncertain significance for Glycogen storage disease type III. Last evaluated: 2022-01-11. Review status: criteria provided, single submitter. Criteria: Invitae Variant Classification Sherloc (09022015). Collection method: clinical testing. Allele origin: germline.
Comment: This sequence change replaces aspartic acid, which is acidic and polar, with glycine, which is neutral and non-polar, at codon 526 of the AGL protein (p.Asp526Gly). This variant is present in population databases (rs777393482, gnomAD 0.002%). This missense change has been observed in individual(s) with glycogen storage disease type III (PMID: 27106217). ClinVar contains an entry for this variant (Variation ID: 526603). Algorithms developed to predict the effect of missense changes on protein structure and function are either unavailable or do not agree on the potential impact of this missense change (SIFT: "Deleterious"; PolyPhen-2: "Probably Damaging"; Align-GVGD: "Class C0"). Algorithms developed to predict the effect of sequence changes on RNA splicing suggest that this variant may create or strengthen a splice site. In summary, the available evidence is currently insufficient to determine the role of this variant in disease. Therefore, it has been classified as a Variant of Uncertain Significance.

Genome-Nilou Lab
Classification: Uncertain significance for Glycogen storage disease type III. Last evaluated: 2021-07-15. Review status: criteria provided, single submitter. Criteria: ACMG Guidelines, 2015. Collection method: clinical testing. Allele origin: germline. Affected: no.

Natera, Inc.
Classification: Uncertain significance for Glycogen storage disease type III. Last evaluated: 2020-09-01. Review status: no assertion criteria provided. Collection method: clinical testing. Allele origin: germline. Not counted in ClinVar's aggregate classification.

Counsyl
Classification: Uncertain significance for Glycogen storage disease type III. Last evaluated: 2017-01-06. Review status: no assertion criteria provided. Collection method: clinical testing. Allele origin: unknown. Not counted in ClinVar's aggregate classification.

Literature cited by the submitters: PubMed 27106217 (cited by 4 submitters).

NM_000642.3(AGL):c.1577A>G (p.Asp526Gly)

Gene: AGL (amylo-alpha-1,6-glucosidase and 4-alpha-glucanotransferase; plus strand). Cytogenetic location: 1p21.2.
Variant type: single nucleotide variant.
Coding change: c.1577A>G on transcript NM_000642.3 (MANE Select); coding-DNA position 1577, A replaced by G.
Protein change: p.Asp526Gly; replaces aspartic acid 526 with glycine.
Molecular consequence: missense variant.
Genome position (GRCh38, 1-based): chr1:99,877,794, A>G. VCF-style: chr1-99877794-A-G. GRCh37 (hg19) VCF-style: chr1-100343350-A-G.
Other names: c.1577A>G, p.Asp526Gly (NM_000028.3, NM_000643.3, NM_000644.3 and 2 more transcripts); c.1529A>G, p.Asp510Gly (NM_000646.3); c.1376A>G, p.Asp459Gly (NM_001425327.1); c.1373A>G, p.Asp458Gly (NM_001425328.1, NM_001425329.1); c.1199A>G, p.Asp400Gly (NM_001425332.1); short protein forms D526G, D510G, D400G, D458G, D459G.
Identifiers: ClinVar variation 526603 (VCV000526603.17), dbSNP rs777393482, ClinGen allele CA966532.